The following is an entry in ClinVar:

ClinVar aggregate classification (germline): Likely benign (1 of 4 stars; one submission).

Submission:

GeneDx
Classification: Likely benign. Last evaluated: 2019-10-10. Review status: criteria provided, single submitter. Criteria: GeneDx Variant Classification Process June 2021. Collection method: clinical testing. Allele origin: germline. Affected: yes.
Comment: See Variant Classification Assertion Criteria.

NM_006565.4(CTCF):c.1838-120TA[16]

Gene: CTCF (CCCTC-binding factor; plus strand). Cytogenetic location: 16q22.1.
Variant type: Microsatellite.
Coding change: c.1838-120TA[16] on transcript NM_006565.4 (MANE Select); 16 copies in a row of the 2-base unit TA starting at c.1838-120.
Molecular consequence: intron variant.
Genome position: GRCh38 VCF-style: chr16-67636569-G-GTATATATATATA. GRCh37 (hg19) VCF-style: chr16-67670472-G-GTATATATATATA.
Other names: c.1838-120TA[16] (NM_001438969.1, NM_001438968.1, NM_001363916.2); c.854-120TA[16] (NM_001191022.2).
Identifiers: ClinVar variation 1684067 (VCV001684067.2), dbSNP rs66893507, ClinGen allele CA623121095.
Genomic context (GRCh38, chr16:67,636,569, plus strand): 5'-CTGCACTCCAGCCTGGGCAATAGAGTGAGACTGTCTCAAAAAAAAAAAAAGAAAGAAAGT[G>GTATATATATATA]TATATATATATATATATATATTTATAAAACAAGACTTCAAATAATATATAATTGTTTTCT-3'